The following is an entry in ClinVar:

NM_015443.4(KANSL1):c.3013G>A (p.Val1005Met)

Gene: KANSL1 (KAT8 regulatory NSL complex subunit 1). Cytogenetic location: 17q21.31.
Variant type: single nucleotide variant.
Coding change: c.3013G>A on transcript NM_015443.4 (MANE Select); coding-DNA position 3013, G replaced by A.
Protein change: p.Val1005Met; replaces valine 1005 with methionine.
Molecular consequence: missense variant.
Genome position (GRCh38, 1-based): chr17:46,032,124, C>T on the plus strand (G>A on the coding strand, the complement: KANSL1 is on the minus strand). VCF-style: chr17-46032124-C-T. GRCh37 (hg19) VCF-style: chr17-44109490-C-T.
Other names: c.3010G>A, p.Val1004Met (NM_001193465.2, NM_001405856.1, NM_001405857.1 and 1 more transcripts); c.3013G>A, p.Val1005Met (NM_001193466.2, NM_001379198.1, NM_001405854.1 and 1 more transcripts); c.2911G>A, p.Val971Met (NM_001405859.1, NM_001405860.1); c.2908G>A, p.Val970Met (NM_001405861.1); c.2881G>A, p.Val961Met (NM_001405872.1, NM_001405873.1, NM_001405874.1); c.2824G>A, p.Val942Met (NM_001405875.1, NM_001405876.1, NM_001405877.1 and 1 more transcripts); c.2821G>A, p.Val941Met (NM_001405879.1, NM_001405880.1); c.2776G>A, p.Val926Met (NM_001405881.1); and 4 more; short protein forms V1005M, V582M, V583M, V1004M, V971M, V519M, V942M, V961M.
Identifiers: ClinVar variation 3703998 (VCV003703998.2).

ClinVar aggregate classification (germline): Uncertain significance (1 of 4 stars; one submission).

Conditions:
Koolen-de Vries syndrome (KDVS). Identifiers: Orphanet 96169, MedGen C1864871, MONDO:0012496, OMIM 610443.

gnomAD v4.1: 1 of 1,614,092 alleles (0.000062%); highest among the groups gnomAD compares: Non-Finnish European, 0.000085%; no homozygotes.

Submission:

Labcorp Genetics (formerly Invitae), Labcorp
Classification: Uncertain significance for Koolen-de Vries syndrome. Last evaluated: 2024-10-27. Review status: criteria provided, single submitter. Criteria: Invitae Variant Classification Sherloc (09022015). Collection method: clinical testing. Allele origin: germline.
Comment: This sequence change replaces valine, which is neutral and non-polar, with methionine, which is neutral and non-polar, at codon 1005 of the KANSL1 protein (p.Val1005Met). This variant is not present in population databases (gnomAD no frequency). This variant has not been reported in the literature in individuals affected with KANSL1-related conditions. Invitae Evidence Modeling of protein sequence and biophysical properties (such as structural, functional, and spatial information, amino acid conservation, physicochemical variation, residue mobility, and thermodynamic stability) indicates that this missense variant is not expected to disrupt KANSL1 protein function with a negative predictive value of 80%. In summary, the available evidence is currently insufficient to determine the role of this variant in disease. Therefore, it has been classified as a Variant of Uncertain Significance.